The following is an entry in ClinVar:

ClinVar aggregate classification (germline): Pathogenic (1 of 4 stars; one submission).

Submission:

GeneDx
Classification: Pathogenic. Last evaluated: 2019-09-12. Review status: criteria provided, single submitter. Criteria: GeneDx Variant Classification Process June 2021. Collection method: clinical testing. Allele origin: germline. Affected: yes.
Comment: Nonsense variant predicted to result in protein truncation or nonsense mediated decay in a gene for which loss-of-function is a known mechanism of disease; Not observed in large population cohorts (Lek et al., 2016); This variant is associated with the following publications: (PMID: 23801931)

NM_053274.3(GLMN):c.1208T>G (p.Leu403Ter)

Gene: GLMN (glomulin, FKBP associated protein; minus strand). Cytogenetic location: 1p22.1.
Variant type: single nucleotide variant.
Coding change: c.1208T>G on transcript NM_053274.3 (MANE Select); coding-DNA position 1208, T replaced by G.
Protein change: p.Leu403Ter; replaces leucine 403 with a stop codon.
Molecular consequence: nonsense. On other transcripts: non-coding transcript variant (1).
Genome position (GRCh38, 1-based): chr1:92,266,425, A>C on the plus strand (T>G on the coding strand, the complement: GLMN is on the minus strand). VCF-style: chr1-92266425-A-C. GRCh37 (hg19) VCF-style: chr1-92731982-A-C.
Other names: c.1166T>G, p.Leu389Ter (NM_001319683.2); short protein forms L403*, L389*.
Identifiers: ClinVar variation 420033 (VCV000420033.4), dbSNP rs1064794247, ClinGen allele CA16617196.